The following is an entry in ClinVar:

ClinVar aggregate classification (germline): Likely benign. Review status: criteria provided, multiple submitters, no conflicts (2 of 4 stars). 4 submissions from 4 submitters: Likely benign (3). 1 of the submissions does not count toward it. Last evaluated 2026-01-19.

Conditions:
BBS1-related disorder. Also called: BBS1-related condition.
Bardet-Biedl syndrome (BBS). Identifiers: Orphanet 110, MedGen C0752166, MONDO:0015229.
Bardet-Biedl syndrome 1 (BBS1). Identifiers: MedGen C2936862, MONDO:0008854, OMIM 209900. Disease mechanism: loss of function.

Allele frequency attached by ClinVar (database versions not stated): ExAC 0.00002; gnomAD 0.00002 and 0.00003; TOPMed 0.00002; gnomAD exomes 0.00003.
gnomAD v4.1: 33 of 1,613,666 alleles (0.002%); highest among the groups gnomAD compares: Middle Eastern, 0.016%; no homozygotes.

Submissions (4):

Labcorp Genetics (formerly Invitae), Labcorp
Classification: Likely benign for Bardet-Biedl syndrome. Last evaluated: 2026-01-19. Review status: criteria provided, single submitter. Criteria: Invitae Variant Classification Sherloc (09022015). Collection method: clinical testing. Allele origin: germline.

Blueprint Genetics
Classification: Likely benign. Last evaluated: 2024-10-02. Review status: criteria provided, single submitter. Criteria: ACMG Guidelines, 2015. Collection method: clinical testing. Allele origin: germline.

Fulgent Genetics
Classification: Likely benign for Bardet-Biedl syndrome 1. Last evaluated: 2021-12-29. Review status: criteria provided, single submitter. Criteria: ACMG Guidelines, 2015. Collection method: clinical testing. Allele origin: unknown.

PreventionGenetics, part of Exact Sciences
Classification: Likely benign for BBS1-related condition. Last evaluated: 2021-01-04. Review status: no assertion criteria provided. Collection method: clinical testing. Allele origin: germline. Not counted in ClinVar's aggregate classification.
Comment: This variant is classified as likely benign based on ACMG/AMP sequence variant interpretation guidelines (Richards et al. 2015 PMID: 25741868, with internal and published modifications).

NM_024649.5(BBS1):c.684C>T (p.Leu228=)

Gene: BBS1 (Bardet-Biedl syndrome 1; plus strand). Cytogenetic location: 11q13.2.
Variant type: single nucleotide variant.
Coding change: c.684C>T on transcript NM_024649.5 (MANE Select); coding-DNA position 684, C replaced by T.
Protein change: p.Leu228=; no amino-acid change (leucine 228 retained).
Molecular consequence: synonymous variant.
Genome position (GRCh38, 1-based): chr11:66,519,709, C>T. VCF-style: chr11-66519709-C-T. GRCh37 (hg19) VCF-style: chr11-66287180-C-T.
Other names: c.684C>T (NM_024649.4).
Identifiers: ClinVar variation 1151922 (VCV001151922.13), dbSNP rs764202615, ClinGen allele CA6123442.